The following is an entry in ClinVar:

NM_001273.5(CHD4):c.5108G>A (p.Gly1703Asp)

Genes: CHD4 (chromodomain helicase DNA binding protein 4; minus strand), CHD4-AS1 (CHD4 antisense RNA 1; plus strand). Cytogenetic location: 12p13.31.
Variant type: single nucleotide variant.
Coding change: c.5108G>A on transcript NM_001273.5 (MANE Select); coding-DNA position 5108, G replaced by A.
Protein change: p.Gly1703Asp; replaces glycine 1703 with aspartic acid.
Molecular consequence: missense variant.
Genome position (GRCh38, 1-based): chr12:6,578,420, C>T on the plus strand (G>A on the coding strand, the complement: CHD4 is on the minus strand). VCF-style: chr12-6578420-C-T. GRCh37 (hg19) VCF-style: chr12-6687586-C-T.
Other names: c.5087G>A, p.Gly1696Asp (NM_001297553.2); c.5075G>A, p.Gly1692Asp (NM_001363606.2); short protein forms G1692D, G1696D, G1703D.
Identifiers: ClinVar variation 2499719 (VCV002499719.2), dbSNP rs2540372083, ClinGen allele CA383566867.

ClinVar aggregate classification (germline): Uncertain significance (1 of 4 stars; one submission).

Submission:

GeneDx
Classification: Uncertain significance. Last evaluated: 2023-09-11. Review status: criteria provided, single submitter. Criteria: GeneDx Variant Classification Process June 2021. Collection method: clinical testing. Allele origin: germline.
Comment: Not observed at significant frequency in large population cohorts (gnomAD); In silico analysis supports that this missense variant has a deleterious effect on protein structure/function; Has not been previously published as pathogenic or benign to our knowledge